The following is an entry in ClinVar:

NM_015404.4(WHRN):c.886G>A (p.Gly296Arg)

Gene: WHRN (whirlin; minus strand). Cytogenetic location: 9q32.
Variant type: single nucleotide variant.
Coding change: c.886G>A on transcript NM_015404.4 (MANE Select); coding-DNA position 886, G replaced by A.
Protein change: p.Gly296Arg; replaces glycine 296 with arginine.
Molecular consequence: missense variant. On other transcripts: 5 prime UTR variant (1).
Genome position (GRCh38, 1-based): chr9:114,466,344, C>T on the plus strand (G>A on the coding strand, the complement: WHRN is on the minus strand). VCF-style: chr9-114466344-C-T. GRCh37 (hg19) VCF-style: chr9-117228624-C-T.
Other names: c.-264G>A (NM_001083885.3); c.886G>A, p.Gly296Arg (NM_001173425.2); short protein forms G296R.
Identifiers: ClinVar variation 1461530 (VCV001461530.8), dbSNP rs748878766, ClinGen allele CA198657682.

ClinVar aggregate classification (germline): Uncertain significance (1 of 4 stars; one submission).

Allele frequency attached by ClinVar (database versions not stated): gnomAD 0.00001.
gnomAD v4.1: 1 of 1,614,160 alleles (0.000062%); highest among the groups gnomAD compares: African/African-American, 0.0013%; no homozygotes.

Submission:

Labcorp Genetics (formerly Invitae), Labcorp
Classification: Uncertain significance. Last evaluated: 2021-01-30. Review status: criteria provided, single submitter. Criteria: Invitae Variant Classification Sherloc (09022015). Collection method: clinical testing. Allele origin: germline.
Comment: In summary, the available evidence is currently insufficient to determine the role of this variant in disease. Therefore, it has been classified as a Variant of Uncertain Significance. Algorithms developed to predict the effect of sequence changes on RNA splicing suggest that this variant may create or strengthen a splice site, but this prediction has not been confirmed by published transcriptional studies. Algorithms developed to predict the effect of missense changes on protein structure and function (SIFT, PolyPhen-2, Align-GVGD) all suggest that this variant is likely to be disruptive, but these predictions have not been confirmed by published functional studies and their clinical significance is uncertain. This variant has not been reported in the literature in individuals with WHRN-related conditions. This variant is not present in population databases (ExAC no frequency). This sequence change replaces glycine with arginine at codon 296 of the WHRN protein (p.Gly296Arg). The glycine residue is highly conserved and there is a moderate physicochemical difference between glycine and arginine.